The following is an entry in ClinVar:

ClinVar aggregate classification (germline): Uncertain significance (1 of 4 stars; one submission).

Conditions:
Proline dehydrogenase deficiency (HYRPRO1). Also called: PROLINE OXIDASE DEFICIENCY; Hyperprolinemia type 1. Identifiers: Orphanet 419, MedGen C0268529, MONDO:0009400, OMIM 239500.

Allele frequency attached by ClinVar (database versions not stated): gnomAD exomes 0.00002.

Submission:

Labcorp Genetics (formerly Invitae), Labcorp
Classification: Uncertain significance for Proline dehydrogenase deficiency. Last evaluated: 2022-05-08. Review status: criteria provided, single submitter. Criteria: Invitae Variant Classification Sherloc (09022015). Collection method: clinical testing. Allele origin: germline.
Comment: In summary, the available evidence is currently insufficient to determine the role of this variant in disease. Therefore, it has been classified as a Variant of Uncertain Significance. Algorithms developed to predict the effect of missense changes on protein structure and function (SIFT, PolyPhen-2, Align-GVGD) all suggest that this variant is likely to be disruptive. ClinVar contains an entry for this variant (Variation ID: 1018797). This variant has not been reported in the literature in individuals affected with PRODH-related conditions. This variant is present in population databases (no rsID available, gnomAD 0.006%). This sequence change replaces arginine, which is basic and polar, with cysteine, which is neutral and slightly polar, at codon 392 of the PRODH protein (p.Arg392Cys).

NM_016335.6(PRODH):c.1174C>T (p.Arg392Cys)

Gene: PRODH (proline dehydrogenase 1; minus strand). Cytogenetic location: 22q11.21.
Variant type: single nucleotide variant.
Coding change: c.1174C>T on transcript NM_016335.6 (MANE Select); coding-DNA position 1174, C replaced by T.
Protein change: p.Arg392Cys; replaces arginine 392 with cysteine.
Molecular consequence: missense variant.
Genome position (GRCh38, 1-based): chr22:18,919,528, G>A on the plus strand (C>T on the coding strand, the complement: PRODH is on the minus strand). VCF-style: chr22-18919528-G-A. GRCh37 (hg19) VCF-style: chr22-18907041-G-A.
Other names: c.850C>T, p.Arg284Cys (NM_001195226.2); short protein forms R284C, R392C.
Identifiers: ClinVar variation 1018797 (VCV001018797.8), dbSNP rs1336190354, ClinGen allele CA410643908.